The following is an entry in ClinVar:

NM_001376.5(DYNC1H1):c.13652C>T (p.Ala4551Val)

Gene: DYNC1H1 (dynein cytoplasmic 1 heavy chain 1; plus strand). Cytogenetic location: 14q32.31.
Variant type: single nucleotide variant.
Coding change: c.13652C>T on transcript NM_001376.5 (MANE Select); coding-DNA position 13652, C replaced by T.
Protein change: p.Ala4551Val; replaces alanine 4551 with valine.
Molecular consequence: missense variant.
Genome position (GRCh38, 1-based): chr14:102,049,850, C>T. VCF-style: chr14-102049850-C-T. GRCh37 (hg19) VCF-style: chr14-102516187-C-T.
Other names: short protein forms A4551V.
Identifiers: ClinVar variation 952660 (VCV000952660.13), dbSNP rs1181756021, ClinGen allele CA391050717.

ClinVar aggregate classification (germline): Conflicting classifications of pathogenicity. Review status: criteria provided, conflicting classifications (1 of 4 stars). 4 submissions from 4 submitters: Uncertain significance (2); Likely benign (2). Last evaluated 2026-01-17.

Conditions:
Cortical dysplasia, complex, with other brain malformations 13. Also called: Intellectual disability, autosomal dominant 13. Identifiers: MedGen C3281202, MONDO:0013805, OMIM 614563.
Autosomal dominant childhood-onset proximal spinal muscular atrophy without contractures. Also called: KUGELBERG-WELANDER SYNDROME, AUTOSOMAL DOMINANT; SPINAL MUSCULAR ATROPHY, JUVENILE, PROXIMAL, AUTOSOMAL DOMINANT; SPINAL MUSCULAR ATROPHY, CHILDHOOD, PROXIMAL, AUTOSOMAL DOMINANT; Spinal muscular atrophy, lower extremity-predominant 1, AD. Identifiers: Orphanet 209341, Orphanet 363447, MedGen C5780022, MONDO:0008026, OMIM 158600.
Inborn genetic diseases. Identifiers: MedGen C0950123, MeSH D030342.
Charcot-Marie-Tooth disease axonal type 2O. Also called: CHARCOT-MARIE-TOOTH NEUROPATHY, AXONAL, TYPE 2O; CHARCOT-MARIE-TOOTH DISEASE, AXONAL, AUTOSOMAL DOMINANT, TYPE 2O; Charcot-Marie-Tooth disease, axonal, type 20; Charcot-Marie-Tooth Neuropathy Type 2O. Identifiers: Orphanet 284232, MedGen C3280220, MONDO:0013644, OMIM 614228.

Allele frequency attached by ClinVar (database versions not stated): TOPMed below 0.00001; gnomAD 0.00001; gnomAD exomes 0.00001 and 0.00003.
gnomAD v4.1: 21 of 1,613,782 alleles (0.0013%); highest among the groups gnomAD compares: Non-Finnish European, 0.0018%; no homozygotes.

Submissions (4):

Labcorp Genetics (formerly Invitae), Labcorp
Classification: Likely benign for Charcot-Marie-Tooth disease axonal type 2O. Last evaluated: 2026-01-17. Review status: criteria provided, single submitter. Criteria: Invitae Variant Classification Sherloc (09022015). Collection method: clinical testing. Allele origin: germline.

Women's Health and Genetics/Laboratory Corporation of America, LabCorp
Classification: Likely benign. Last evaluated: 2025-11-11. Review status: criteria provided, single submitter. Criteria: LabCorp Variant Classification Summary - May 2015. Collection method: clinical testing. Allele origin: germline.
Comment: Variant summary: DYNC1H1 c.13652C>T (p.Ala4551Val) results in a non-conservative amino acid change in the encoded protein sequence. Algorithms developed to predict the effect of missense changes on protein structure and function are either unavailable or do not agree on the potential impact of this missense change. The variant allele was found at a frequency of 1.3e-05 in 1613782 control chromosomes, predominantly at a frequency of 1.8e-05 within the Non-Finnish European subpopulation in the gnomAD database. The observed variant frequency within Non-Finnish European control individuals in the gnomAD database exceeds the estimated maximal expected allele frequency for disease-causing variants in DYNC1H1. c.13652C>T has been observed in an individual suspected of Charcot-Marie-Tooth disease, without strong evidence for causality (Volodarsky_2021). This report does not provide unequivocal conclusions about association of the variant with DYNC1H1-related conditions. To our knowledge, no experimental evidence demonstrating an impact on protein function has been reported. The following publication has been ascertained in the context of this evaluation (PMID: 32376792). ClinVar contains an entry for this variant (Variation ID: 952660). Based on the evidence outlined above, the variant was classified as likely benign.

Department of Pathology and Laboratory Medicine, Sinai Health System
Classification: Uncertain significance for Autosomal dominant childhood-onset proximal spinal muscular atrophy without contractures; Cortical dysplasia, complex, with other brain malformations 13. Last evaluated: 2022-01-15. Review status: criteria provided, single submitter. Criteria: ACMG Guidelines, 2015. Collection method: research. Allele origin: germline.

Ambry Genetics
Classification: Uncertain significance for Inborn genetic diseases. Last evaluated: 2021-06-12. Review status: criteria provided, single submitter. Criteria: Ambry Variant Classification Scheme 2023. Collection method: clinical testing. Allele origin: germline.
Comment: The p.A4551V variant (also known as c.13652C>T), located in coding exon 76 of the DYNC1H1 gene, results from a C to T substitution at nucleotide position 13652. The alanine at codon 4551 is replaced by valine, an amino acid with similar properties. This amino acid position is conserved. In addition, this alteration is predicted to be tolerated by in silico analysis. Since supporting evidence is limited at this time, the clinical significance of this alteration remains unclear.

Literature cited by the submitters: PubMed 32376792 (cited by Women's Health and Genetics/Laboratory Corporation of America, LabCorp).